The following is an entry in ClinVar:

NM_000038.6(APC):c.6323C>A (p.Ala2108Glu)

Gene: APC (APC regulator of Wnt signaling pathway; plus strand). Cytogenetic location: 5q22.2.
Variant type: single nucleotide variant.
Coding change: c.6323C>A on transcript NM_000038.6 (MANE Select); coding-DNA position 6323, C replaced by A.
Protein change: p.Ala2108Glu; replaces alanine 2108 with glutamic acid.
Molecular consequence: missense variant.
Genome position (GRCh38, 1-based): chr5:112,841,917, C>A. VCF-style: chr5-112841917-C-A. GRCh37 (hg19) VCF-style: chr5-112177614-C-A.
Other names: c.6323C>A, p.Ala2108Glu (NM_001354895.2, NM_001407450.1, NM_001127510.3); c.6377C>A, p.Ala2126Glu (NM_001354896.2, NM_001407447.1, NM_001407448.1 and 1 more transcripts); c.6353C>A, p.Ala2118Glu (NM_001354897.2); c.6248C>A, p.Ala2083Glu (NM_001354898.2); c.6239C>A, p.Ala2080Glu (NM_001354899.2); c.6200C>A, p.Ala2067Glu (NM_001354900.2); c.6146C>A, p.Ala2049Glu (NM_001354901.2, NM_001407453.1); c.6050C>A, p.Ala2017Glu (NM_001354902.2); and 11 more; short protein forms A1724E, A2007E, A2108E, A2118E, A1982E, A2080E, A2083E, A2136E.
Identifiers: ClinVar variation 2010891 (VCV002010891.4), dbSNP rs2149962383, ClinGen allele CA16035180.

ClinVar aggregate classification (germline): Uncertain significance (1 of 4 stars; one submission).

Conditions:
Familial adenomatous polyposis 1 (FAP1). Also called: FAMILIAL ADENOMATOUS POLYPOSIS 1, ATTENUATED; POLYPOSIS, ADENOMATOUS INTESTINAL. Identifiers: MedGen C2713442, MONDO:0021056, OMIM 175100. Disease mechanism: loss of function.

Submission:

Labcorp Genetics (formerly Invitae), Labcorp
Classification: Uncertain significance for Familial adenomatous polyposis 1. Last evaluated: 2022-06-26. Review status: criteria provided, single submitter. Criteria: Invitae Variant Classification Sherloc (09022015). Collection method: clinical testing. Allele origin: germline.
Comment: This variant has not been reported in the literature in individuals affected with APC-related conditions. In summary, the available evidence is currently insufficient to determine the role of this variant in disease. Therefore, it has been classified as a Variant of Uncertain Significance. Algorithms developed to predict the effect of missense changes on protein structure and function are either unavailable or do not agree on the potential impact of this missense change (SIFT: "Tolerated"; PolyPhen-2: "Probably Damaging"; Align-GVGD: "Class C15"). This variant is not present in population databases (gnomAD no frequency). This sequence change replaces alanine, which is neutral and non-polar, with glutamic acid, which is acidic and polar, at codon 2108 of the APC protein (p.Ala2108Glu).